The following is an entry in ClinVar:

NM_001025603.2(RFX5):c.1578_1594dup (p.Gln532fs)

Gene: RFX5 (regulatory factor X5; minus strand). Cytogenetic location: 1q21.3.
Variant type: Duplication.
Coding change: c.1578_1594dup on transcript NM_001025603.2 (MANE Select); coding-DNA positions 1578 to 1594, 17 bases duplicated (GGGGGCAGTACTTGCCC).
Protein change: p.Gln532fs; shifts the reading frame from glutamine 532.
Molecular consequence: frameshift variant.
Genome position (GRCh38, 1-based): chr1:151,342,443-151,342,459, GGGCAAGTACTGCCCCC duplicated on the plus strand (GGGGGCAGTACTTGCCC on the coding strand, the reverse complement: RFX5 is on the minus strand). VCF-style (leftmost placement, unchanged base first): chr1-151342442-T-TGGGCAAGTACTGCCCCC. GRCh37 (hg19) VCF-style: chr1-151314918-T-TGGGCAAGTACTGCCCCC.
Other names: c.1578_1594dup, p.Gln532fs (NM_000449.4, NM_001379412.1, NM_001379413.1 and 5 more transcripts); c.1458_1474dup, p.Gln492fs (NM_001379419.1, NM_001379420.1); short protein forms Q492fs, Q532fs.
Identifiers: ClinVar variation 948575 (VCV000948575.8), dbSNP rs757464167, ClinGen allele CA1089570.

ClinVar aggregate classification (germline): Pathogenic (1 of 4 stars; one submission).

Conditions:
MHC class II deficiency. Also called: Bare lymphocyte syndrome 2; BLS, TYPE II. Identifiers: Orphanet 572, MedGen C5447452, MONDO:0008855.

Allele frequency attached by ClinVar (database versions not stated): ExAC 0.00001; gnomAD 0.00001; gnomAD exomes 0.00001 and 0.00002; TOPMed 0.00001.

Submission:

Labcorp Genetics (formerly Invitae), Labcorp
Classification: Pathogenic for MHC class II deficiency. Last evaluated: 2025-09-08. Review status: criteria provided, single submitter. Criteria: Invitae Variant Classification Sherloc (09022015). Collection method: clinical testing. Allele origin: germline.
Comment: This sequence change creates a premature translational stop signal (p.Gln532Argfs*40) in the RFX5 gene. While this is not anticipated to result in nonsense mediated decay, it is expected to disrupt the last 85 amino acid(s) of the RFX5 protein. This variant is present in population databases (rs757464167, gnomAD 0.002%). This variant has not been reported in the literature in individuals affected with RFX5-related conditions. ClinVar contains an entry for this variant (Variation ID: 948575). This variant disrupts a region of the RFX5 protein in which other variant(s) (p.Ser571Glnfs*22) have been determined to be pathogenic (internal data). This suggests that this is a clinically significant region of the protein, and that variants that disrupt it are likely to be disease-causing. For these reasons, this variant has been classified as Pathogenic.